The following is an entry in ClinVar:

ClinVar aggregate classification (germline): Uncertain significance (1 of 4 stars; one submission).

Conditions:
Joubert syndrome. Also called: CEREBELLOPARENCHYMAL DISORDER IV; JOUBERT-BOLTSHAUSER SYNDROME; Familial aplasia of the vermis. Identifiers: Orphanet 475, MedGen C5979921, MONDO:0018772.
Meckel-Gruber syndrome. Also called: DYSENCEPHALIA SPLANCHNOCYSTICA; GRUBER SYNDROME; Dysencephalia splachnocystica. Identifiers: Orphanet 564, MedGen C0265215, MONDO:0018921.

Submission:

Labcorp Genetics (formerly Invitae), Labcorp
Classification: Uncertain significance for Joubert syndrome; Meckel-Gruber syndrome. Last evaluated: 2022-08-06. Review status: criteria provided, single submitter. Criteria: Invitae Variant Classification Sherloc (09022015). Collection method: clinical testing. Allele origin: germline.
Comment: In summary, the available evidence is currently insufficient to determine the role of this variant in disease. Therefore, it has been classified as a Variant of Uncertain Significance. Advanced modeling of protein sequence and biophysical properties (such as structural, functional, and spatial information, amino acid conservation, physicochemical variation, residue mobility, and thermodynamic stability) performed at Invitae indicates that this missense variant is expected to disrupt TMEM67 protein function. This variant has not been reported in the literature in individuals affected with TMEM67-related conditions. This variant is not present in population databases (gnomAD no frequency). This sequence change replaces serine, which is neutral and polar, with proline, which is neutral and non-polar, at codon 595 of the TMEM67 protein (p.Ser595Pro).

NM_153704.6(TMEM67):c.1783T>C (p.Ser595Pro)

Gene: TMEM67 (transmembrane protein 67; plus strand). Cytogenetic location: 8q22.1.
Variant type: single nucleotide variant.
Coding change: c.1783T>C on transcript NM_153704.6 (MANE Select); coding-DNA position 1783, T replaced by C.
Protein change: p.Ser595Pro; replaces serine 595 with proline.
Molecular consequence: missense variant. On other transcripts: non-coding transcript variant (1).
Genome position (GRCh38, 1-based): chr8:93,795,910, T>C. VCF-style: chr8-93795910-T-C. GRCh37 (hg19) VCF-style: chr8-94808138-T-C.
Other names: c.1540T>C, p.Ser514Pro (NM_001142301.1); short protein forms S595P, S514P.
Identifiers: ClinVar variation 2009719 (VCV002009719.4), dbSNP rs2536898802, ClinGen allele CA371692984.